The following is an entry in ClinVar:

ClinVar aggregate classification (germline): Uncertain significance (1 of 4 stars; one submission).

gnomAD v4.1: 8 of 1,614,190 alleles (0.0005%); highest among the groups gnomAD compares: Middle Eastern, 0.016%; no homozygotes.

Submission:

Labcorp Genetics (formerly Invitae), Labcorp
Classification: Uncertain significance. Last evaluated: 2024-08-31. Review status: criteria provided, single submitter. Criteria: Invitae Variant Classification Sherloc (09022015). Collection method: clinical testing. Allele origin: germline.
Comment: This sequence change replaces asparagine, which is neutral and polar, with serine, which is neutral and polar, at codon 889 of the ALPK1 protein (p.Asn889Ser). This variant is present in population databases (rs764056154, gnomAD 0.0009%). This variant has not been reported in the literature in individuals affected with ALPK1-related conditions. Invitae Evidence Modeling of protein sequence and biophysical properties (such as structural, functional, and spatial information, amino acid conservation, physicochemical variation, residue mobility, and thermodynamic stability) indicates that this missense variant is not expected to disrupt ALPK1 protein function with a negative predictive value of 80%. In summary, the available evidence is currently insufficient to determine the role of this variant in disease. Therefore, it has been classified as a Variant of Uncertain Significance.

NM_025144.4(ALPK1):c.2666A>G (p.Asn889Ser)

Gene: ALPK1 (alpha kinase 1; plus strand). Cytogenetic location: 4q25.
Variant type: single nucleotide variant.
Coding change: c.2666A>G on transcript NM_025144.4 (MANE Select); coding-DNA position 2666, A replaced by G.
Protein change: p.Asn889Ser; replaces asparagine 889 with serine.
Molecular consequence: missense variant.
Genome position (GRCh38, 1-based): chr4:112,432,213, A>G. VCF-style: chr4-112432213-A-G. GRCh37 (hg19) VCF-style: chr4-113353369-A-G.
Other names: c.2666A>G, p.Asn889Ser (NM_001102406.2); c.2432A>G, p.Asn811Ser (NM_001253884.2); short protein forms N811S, N889S.
Identifiers: ClinVar variation 3612715 (VCV003612715.2).
Genomic context (GRCh38, chr4:112,432,213, plus strand): 5'-ACGGCTCTCATAGACTGTGCATTCTGAGACAGCCGCCTGGTCAGAGGGCGGAGACCCCCA[A>G]TTCCTCTGTAAGCGGTAACATCCTCTTCCCTGTCCTCAGCGAGGACTGCACTACCACAGA-3'
Protein context (NP_079420.3, residues 879-899): QPPGQRAETP[Asn889Ser]SSVSGNILFP